The following is an entry in ClinVar:

ClinVar aggregate classification (germline): Uncertain significance (1 of 4 stars; one submission).

Allele frequency attached by ClinVar (database versions not stated): TOPMed 0.00002.
gnomAD v4.1: 4 of 1,613,556 alleles (0.00025%); highest among the groups gnomAD compares: Admixed American, 0.0033%; no homozygotes.

Submission:

Labcorp Genetics (formerly Invitae), Labcorp
Classification: Uncertain significance. Last evaluated: 2021-11-06. Review status: criteria provided, single submitter. Criteria: Invitae Variant Classification Sherloc (09022015). Collection method: clinical testing. Allele origin: germline.
Comment: This variant is not present in population databases (gnomAD no frequency). This variant has not been reported in the literature in individuals affected with VPS4A-related conditions. Algorithms developed to predict the effect of missense changes on protein structure and function (SIFT, PolyPhen-2, Align-GVGD) all suggest that this variant is likely to be tolerated. In summary, the available evidence is currently insufficient to determine the role of this variant in disease. Therefore, it has been classified as a Variant of Uncertain Significance. This sequence change replaces glutamic acid, which is acidic and polar, with aspartic acid, which is acidic and polar, at codon 436 of the VPS4A protein (p.Glu436Asp).

NM_013245.3(VPS4A):c.1308G>C (p.Glu436Asp)

Gene: VPS4A (vacuolar protein sorting 4 homolog A; plus strand). Cytogenetic location: 16q22.1.
Variant type: single nucleotide variant.
Coding change: c.1308G>C on transcript NM_013245.3 (MANE Select); coding-DNA position 1308, G replaced by C.
Protein change: p.Glu436Asp; replaces glutamic acid 436 with aspartic acid.
Molecular consequence: missense variant.
Genome position (GRCh38, 1-based): chr16:69,324,303, G>C. VCF-style: chr16-69324303-G-C. GRCh37 (hg19) VCF-style: chr16-69358206-G-C.
Other names: short protein forms E436D.
Identifiers: ClinVar variation 1391808 (VCV001391808.6), dbSNP rs1340758447, ClinGen allele CA396475149.